The following is an entry in ClinVar:

ClinVar aggregate classification (germline): Uncertain significance (1 of 4 stars; one submission).

Conditions:
Inborn genetic diseases. Identifiers: MedGen C0950123, MeSH D030342.

Allele frequency attached by ClinVar (database versions not stated): TOPMed below 0.00001; gnomAD exomes 0.00001.
gnomAD v4.1: 13 of 1,614,022 alleles (0.00081%); highest among the groups gnomAD compares: South Asian, 0.0077%; no homozygotes.

Submission:

Ambry Genetics
Classification: Uncertain significance for Inborn genetic diseases. Last evaluated: 2022-11-27. Review status: criteria provided, single submitter. Criteria: Ambry Variant Classification Scheme 2023. Collection method: clinical testing. Allele origin: germline.
Comment: The p.T1337I variant (also known as c.4010C>T), located in coding exon 22 of the ATR gene, results from a C to T substitution at nucleotide position 4010. The threonine at codon 1337 is replaced by isoleucine, an amino acid with similar properties. This amino acid position is conserved. In addition, the in silico prediction for this alteration is inconclusive. Since supporting evidence is limited at this time, the clinical significance of this alteration remains unclear.

NM_001184.4(ATR):c.4010C>T (p.Thr1337Ile)

Gene: ATR (ATR checkpoint kinase; minus strand). Cytogenetic location: 3q23.
Variant type: single nucleotide variant.
Coding change: c.4010C>T on transcript NM_001184.4 (MANE Select); coding-DNA position 4010, C replaced by T.
Protein change: p.Thr1337Ile; replaces threonine 1337 with isoleucine.
Molecular consequence: missense variant.
Genome position (GRCh38, 1-based): chr3:142,524,135, G>A on the plus strand (C>T on the coding strand, the complement: ATR is on the minus strand). VCF-style: chr3-142524135-G-A. GRCh37 (hg19) VCF-style: chr3-142242977-G-A.
Other names: c.3818C>T, p.Thr1273Ile (NM_001354579.2); short protein forms T1337I, T1273I.
Identifiers: ClinVar variation 2496636 (VCV002496636.2), dbSNP rs1214501226, ClinGen allele CA354802665.